The following is an entry in ClinVar:

NM_138386.3(NAF1):c.1249C>T (p.Pro417Ser)

Gene: NAF1 (nuclear assembly factor 1 ribonucleoprotein; minus strand). Cytogenetic location: 4q32.2.
Variant type: single nucleotide variant.
Coding change: c.1249C>T on transcript NM_138386.3 (MANE Select); coding-DNA position 1249, C replaced by T.
Protein change: p.Pro417Ser; replaces proline 417 with serine.
Molecular consequence: missense variant. On other transcripts: intron variant (1).
Genome position (GRCh38, 1-based): chr4:163,129,133, G>A on the plus strand (C>T on the coding strand, the complement: NAF1 is on the minus strand). VCF-style: chr4-163129133-G-A. GRCh37 (hg19) VCF-style: chr4-164050285-G-A.
Other names: c.1034-2018C>T (NM_001128931.2); short protein forms P417S.
Identifiers: ClinVar variation 3611991 (VCV003611991.2).

ClinVar aggregate classification (germline): Uncertain significance (1 of 4 stars; one submission).

gnomAD v4.1: 48 of 1,613,712 alleles (0.003%); highest among the groups gnomAD compares: Non-Finnish European, 0.0039%; no homozygotes.

Submission:

Labcorp Genetics (formerly Invitae), Labcorp
Classification: Uncertain significance. Last evaluated: 2025-08-17. Review status: criteria provided, single submitter. Criteria: Invitae Variant Classification Sherloc (09022015). Collection method: clinical testing. Allele origin: germline.
Comment: This sequence change replaces proline, which is neutral and non-polar, with serine, which is neutral and polar, at codon 417 of the NAF1 protein (p.Pro417Ser). This variant is present in population databases (rs760162501, gnomAD 0.003%). This variant has not been reported in the literature in individuals affected with NAF1-related conditions. ClinVar contains an entry for this variant (Variation ID: 3611991). An algorithm developed to predict the effect of missense changes on protein structure and function (PolyPhen-2) suggests that this variant is likely to be disruptive. In summary, the available evidence is currently insufficient to determine the role of this variant in disease. Therefore, it has been classified as a Variant of Uncertain Significance.